The following is an entry in ClinVar:

NM_024675.4(PALB2):c.1438_1441del (p.Lys480fs)

Gene: PALB2 (partner and localizer of BRCA2; minus strand). Cytogenetic location: 16p12.2.
Variant type: Deletion.
Coding change: c.1438_1441del on transcript NM_024675.4 (MANE Select); coding-DNA positions 1438 to 1441, 4 bases deleted (AAAC; older notation c.1438_1441delAAAC).
Protein change: p.Lys480fs; shifts the reading frame from lysine 480.
Molecular consequence: frameshift variant. On other transcripts: intron variant (3).
Genome position (GRCh38, 1-based): chr16:23,635,105-23,635,108, GTTT deleted on the plus strand (AAAC on the coding strand, the reverse complement: PALB2 is on the minus strand). VCF-style (leftmost placement, unchanged base first): chr16-23635104-AGTTT-A. GRCh37 (hg19) VCF-style: chr16-23646425-AGTTT-A.
Other names: c.1378_1381del, p.Lys460fs (NM_001407296.1); c.1438_1441del, p.Lys480fs (NM_001407297.1, NM_001407298.1, NM_001407299.1 and 3 more transcripts); c.553_556del, p.Lys185fs (NM_001407304.1, NM_001407305.1, NM_001407306.1 and 5 more transcripts); c.49-5833_49-5830del (NM_001407314.1); c.-104-4639_-104-4636del (NM_001407313.1, NM_001407312.1); short protein forms K185fs, K460fs, K480fs.
Identifiers: ClinVar variation 2674184 (VCV002674184.1), dbSNP rs2506477430, ClinGen allele CA2695197473.

ClinVar aggregate classification (germline): Pathogenic (1 of 4 stars; one submission).

Conditions:
Familial cancer of breast. Also called: Hereditary breast cancer; BREAST CANCER, FAMILIAL; hereditary breast carcinoma. Identifiers: Orphanet 227535, MedGen C0346153, MONDO:0016419, OMIM 114480. Disease mechanism: loss of function.

Submission:

Myriad Genetics, Inc.
Classification: Pathogenic for Familial cancer of breast. Last evaluated: 2023-09-08. Review status: criteria provided, single submitter. Criteria: Myriad Autosomal Dominant, Autosomal Recessive and X-Linked Classification Criteria (2023). Collection method: clinical testing. Allele origin: unknown.
Comment: This variant is considered pathogenic. This variant creates a frameshift predicted to result in premature protein truncation.